The following is an entry in ClinVar:

NM_016203.4(PRKAG2):c.1625T>C (p.Val542Ala)

Gene: PRKAG2 (protein kinase AMP-activated non-catalytic subunit gamma 2; minus strand). Cytogenetic location: 7q36.1.
Variant type: single nucleotide variant.
Coding change: c.1625T>C on transcript NM_016203.4 (MANE Select); coding-DNA position 1625, T replaced by C.
Protein change: p.Val542Ala; replaces valine 542 with alanine.
Molecular consequence: missense variant.
Genome position (GRCh38, 1-based): chr7:151,560,577, A>G on the plus strand (T>C on the coding strand, the complement: PRKAG2 is on the minus strand). VCF-style: chr7-151560577-A-G. GRCh37 (hg19) VCF-style: chr7-151257663-A-G.
Other names: c.1493T>C, p.Val498Ala (NM_001040633.2, NM_001407024.1); c.1250T>C, p.Val417Ala (NM_001304527.2, NM_001407029.1); c.902T>C, p.Val301Ala (NM_001304531.2, NM_001407034.1, NM_001407035.1 and 1 more transcripts); c.1253T>C, p.Val418Ala (NM_001363698.2, NM_001407028.1); c.1625T>C, p.Val542Ala (NM_001407021.1); c.1622T>C, p.Val541Ala (NM_001407022.1, NM_001407023.1); c.1490T>C, p.Val497Ala (NM_001407026.1, NM_001407027.1); c.1337T>C, p.Val446Ala (NM_001407030.1); and 6 more; short protein forms V417A, V434A, V498A, V542A, V317A, V445A, V321A, V418A.
Identifiers: ClinVar variation 1776687 (VCV001776687.9), dbSNP rs757047965, ClinGen allele CA055670.
Genomic context (GRCh38, chr7:151,560,577, plus strand): 5'-ATTTTACCTGCTGGTGTGAGGATCAGGGCTTGCAGAATGTCCGACAGGGAAATAATACCC[A>G]CAATACTATCTGCTTCATTTACCACCACCAGCCGATGGACCTGCAAAGAGAAAAGCAGGA-3'
Protein context (NP_057287.2, residues 532-552): LVVVNEADSI[Val542Ala]GIISLSDILQ

ClinVar aggregate classification (germline): Uncertain significance. Review status: criteria provided, multiple submitters, no conflicts (2 of 4 stars). 4 submissions from 4 submitters: Uncertain significance (4). Last evaluated 2024-03-04.

Conditions:
Cardiovascular phenotype. Identifiers: MedGen CN230736.
Cardiomyopathy (CMYO). Also called: Cardiomyopathies. Identifiers: Orphanet 167848, MedGen C0878544, MONDO:0004994, HP:0001638. Inheritance: Various modes of inheritance.
Hypertrophic cardiomyopathy. Also called: HYPERTROPHIC MYOCARDIOPATHY. Identifiers: Orphanet 217569, MedGen C0007194, MeSH D002312, MONDO:0005045, HP:0001639.
Lethal congenital glycogen storage disease of heart. Also called: GLYCOGEN STORAGE DISEASE OF HEART; PHOSPHORYLASE KINASE DEFICIENCY OF HEART. Identifiers: Orphanet 439854, MedGen C1849813, MONDO:0009867, OMIM 261740.

Allele frequency attached by ClinVar (database versions not stated): ExAC 0.00001; gnomAD exomes 0.00001.
gnomAD v4.1: 3 of 1,613,998 alleles (0.00019%); highest among the groups gnomAD compares: Admixed American, 0.005%; no homozygotes.

Submissions (4):

Color Diagnostics, LLC DBA Color Health
Classification: Uncertain significance for Cardiomyopathy. Last evaluated: 2024-03-04. Review status: criteria provided, single submitter. Criteria: ACMG Guidelines, 2015. Collection method: clinical testing. Allele origin: germline.
Comment: This missense variant replaces valine with alanine at codon 542 of the PRKAG2 protein. Computational prediction is inconclusive regarding the impact of this variant on protein structure and function (internally defined REVEL score threshold 0.5 < inconclusive < 0.7, PMID: 27666373). To our knowledge, functional studies have not been reported for this variant. This variant has not been reported in individuals affected with PRKAG2-related disorders in the literature. This variant has been identified in 2/251482 chromosomes in the general population by the Genome Aggregation Database (gnomAD). The available evidence is insufficient to determine the role of this variant in disease conclusively. Therefore, this variant is classified as a Variant of Uncertain Significance.

All of Us Research Program, National Institutes of Health
Classification: Uncertain significance for Hypertrophic cardiomyopathy. Last evaluated: 2023-08-15. Review status: criteria provided, single submitter. Criteria: ACMG Guidelines, 2015. Collection method: clinical testing. Allele origin: germline. Inheritance: Autosomal dominant inheritance. Observed: 2 variant alleles, 2 heterozygotes.
Comment: This missense variant replaces valine with alanine at codon 542 of the PRKAG2 protein. Computational prediction is inconclusive regarding the impact of this variant on protein structure and function (internally defined REVEL score threshold 0.5 < inconclusive < 0.7, PMID: 27666373). To our knowledge, functional studies have not been reported for this variant. This variant has not been reported in individuals affected with PRKAG2-related disorders in the literature. This variant has been identified in 2/251482 chromosomes in the general population by the Genome Aggregation Database (gnomAD). The available evidence is insufficient to determine the role of this variant in disease conclusively. Therefore, this variant is classified as a Variant of Uncertain Significance.

This study involves interpretation of variants in research participants for the purpose of population health screening. Participant phenotype was not available at the time of variant classification. Additional details can be found in publication PMID: 35346344, PMCID: PMC8962531

Labcorp Genetics (formerly Invitae), Labcorp
Classification: Uncertain significance for Lethal congenital glycogen storage disease of heart. Last evaluated: 2022-07-04. Review status: criteria provided, single submitter. Criteria: Invitae Variant Classification Sherloc (09022015). Collection method: clinical testing. Allele origin: germline.
Comment: In summary, the available evidence is currently insufficient to determine the role of this variant in disease. Therefore, it has been classified as a Variant of Uncertain Significance. Algorithms developed to predict the effect of missense changes on protein structure and function are either unavailable or do not agree on the potential impact of this missense change (SIFT: "Deleterious"; PolyPhen-2: "Benign"; Align-GVGD: "Class C25"). This variant has not been reported in the literature in individuals affected with PRKAG2-related conditions. This variant is present in population databases (rs757047965, gnomAD 0.006%). This sequence change replaces valine, which is neutral and non-polar, with alanine, which is neutral and non-polar, at codon 542 of the PRKAG2 protein (p.Val542Ala).

Ambry Genetics
Classification: Uncertain significance for Cardiovascular phenotype. Last evaluated: 2021-02-24. Review status: criteria provided, single submitter. Criteria: Ambry Variant Classification Scheme 2023. Collection method: clinical testing. Allele origin: germline.
Comment: The p.V542A variant (also known as c.1625T>C), located in coding exon 15 of the PRKAG2 gene, results from a T to C substitution at nucleotide position 1625. The valine at codon 542 is replaced by alanine, an amino acid with similar properties. This amino acid position is well conserved in available vertebrate species. In addition, the in silico prediction for this alteration is inconclusive. Since supporting evidence is limited at this time, the clinical significance of this alteration remains unclear.